The following is an entry in ClinVar:

NM_004612.4(TGFBR1):c.-13T>C

Genes: TGFBR1 (transforming growth factor beta receptor 1; plus strand), LOC130002223 (ATAC-STARR-seq lymphoblastoid silent region 20124; plus strand). Cytogenetic location: 9q22.33.
Variant type: single nucleotide variant.
Coding change: c.-13T>C on transcript NM_004612.4 (MANE Select); 13 bases upstream of the start codon, T replaced by C.
Molecular consequence: 5 prime UTR variant.
Genome position (GRCh38, 1-based): chr9:99,105,193, T>C. VCF-style: chr9-99105193-T-C. GRCh37 (hg19) VCF-style: chr9-101867475-T-C.
Other names: c.-13T>C (NM_001130916.3, NM_001306210.2).
Identifiers: ClinVar variation 364096 (VCV000364096.8), dbSNP rs886063220, ClinGen allele CA10634637.

ClinVar aggregate classification (germline): Conflicting classifications of pathogenicity. Review status: criteria provided, conflicting classifications (1 of 4 stars). 3 submissions from 3 submitters: Uncertain significance (1); Benign (1); Likely benign (1). Last evaluated 2024-09-30.

Conditions:
Loeys-Dietz syndrome 1 (LDS1). Also called: FURLONG SYNDROME; TGFBR1-Related Loeys-Dietz Syndrome; AORTIC ANEURYSM, FAMILIAL THORACIC 5. Identifiers: Orphanet 60030, MedGen C4551955, MONDO:0012212, OMIM 609192.
Multiple self-healing squamous epithelioma (MSSE). Also called: MULTIPLE SELF-HEALING SQUAMOUS EPITHELIOMA, SUSCEPTIBILITY TO. Identifiers: Orphanet 65748, MedGen C0546476, MONDO:0007566, OMIM 132800.

Allele frequency attached by ClinVar (database versions not stated): TOPMed 0.00016; gnomAD 0.00019 and 0.00020; gnomAD exomes 0.00030.
gnomAD v4.1: 309 of 1,071,928 alleles (0.029%); highest among the groups gnomAD compares: Non-Finnish European, 0.033%; no homozygotes.

Submissions (3):

Women's Health and Genetics/Laboratory Corporation of America, LabCorp
Classification: Benign. Last evaluated: 2024-09-30. Review status: criteria provided, single submitter. Criteria: LabCorp Variant Classification Summary - May 2015. Collection method: clinical testing. Allele origin: germline.
Comment: Variant summary: TGFBR1 c.-13T>C is located in the untranslated mRNA region upstream of the initiation codon. The variant allele was found at a frequency of 0.0003 in 929458 control chromosomes. The observed variant frequency is approximately 161.81 fold of the estimated maximal expected allele frequency for a pathogenic variant in TGFBR1 causing Loeys-Dietz Syndrome phenotype (1.9e-06). To our knowledge, no occurrence of c.-13T>C in individuals affected with Loeys-Dietz Syndrome and no experimental evidence demonstrating its impact on protein function have been reported. ClinVar contains an entry for this variant (Variation ID: 364096). Based on the evidence outlined above, the variant was classified as benign.

Blueprint Genetics
Classification: Likely benign. Last evaluated: 2023-09-12. Review status: criteria provided, single submitter. Criteria: ACMG Guidelines, 2015. Collection method: clinical testing. Allele origin: germline.

Fulgent Genetics
Classification: Uncertain significance for Multiple self-healing squamous epithelioma; Loeys-Dietz syndrome 1. Last evaluated: 2021-10-19. Review status: criteria provided, single submitter. Criteria: ACMG Guidelines, 2015. Collection method: clinical testing. Allele origin: unknown.